The following is an entry in ClinVar:

ClinVar aggregate classification (germline): Likely benign. Review status: criteria provided, multiple submitters, no conflicts (2 of 4 stars). 2 submissions from 2 submitters: Likely benign (2). Last evaluated 2026-09-01.

Conditions:
Dilated cardiomyopathy 1G (CMD1G). Identifiers: Orphanet 154, MedGen C1858763, MONDO:0011400, OMIM 604145.
Autosomal recessive limb-girdle muscular dystrophy type 2J (LGMDR10). Also called: MUSCULAR DYSTROPHY, LIMB-GIRDLE, AUTOSOMAL RECESSIVE 10; Limb-girdle muscular dystrophy, type 2J. Identifiers: Orphanet 140922, MedGen C1837342, MONDO:0012127, OMIM 608807.

Allele frequency attached by ClinVar (database versions not stated): gnomAD 0.00001; ExAC 0.00003; gnomAD exomes 0.00004; TOPMed 0.00005.
gnomAD v4.1: 13 of 1,613,740 alleles (0.00081%); highest among the groups gnomAD compares: Admixed American, 0.02%; no homozygotes.

Submissions (2):

CeGaT Center for Human Genetics Tuebingen
Classification: Likely benign. Last evaluated: 2026-09-01. Review status: criteria provided, single submitter. Criteria: CeGaT Center For Human Genetics Tuebingen Variant Classification Criteria Version 2. Collection method: clinical testing. Allele origin: germline. Affected: yes. Observed: 1 variant allele.
Comment: TTN: BP4, BP7

Labcorp Genetics (formerly Invitae), Labcorp
Classification: Likely benign for Dilated cardiomyopathy 1G; Autosomal recessive limb-girdle muscular dystrophy type 2J. Last evaluated: 2025-04-09. Review status: criteria provided, single submitter. Criteria: Invitae Variant Classification Sherloc (09022015). Collection method: clinical testing. Allele origin: germline.

NM_001267550.2(TTN):c.30420C>A (p.Thr10140=)

Gene: TTN (titin; minus strand). Cytogenetic location: 2q31.2.
Variant type: single nucleotide variant.
Coding change: c.30420C>A on transcript NM_001267550.2 (MANE Select); coding-DNA position 30420, C replaced by A.
Protein change: p.Thr10140=; no amino-acid change (threonine 10140 retained).
Molecular consequence: synonymous variant. On other transcripts: intron variant (3).
Genome position (GRCh38, 1-based): chr2:178,702,467, G>T on the plus strand (C>A on the coding strand, the complement: TTN is on the minus strand). VCF-style: chr2-178702467-G-T. GRCh37 (hg19) VCF-style: chr2-179567194-G-T.
Other names: c.29469C>A, p.Thr9823= (NM_001256850.1); c.26688C>A, p.Thr8896= (NM_133378.4); c.13282+35615C>A (NM_003319.4); c.13858+35615C>A (NM_133437.4); c.13657+35615C>A (NM_133432.3).
Identifiers: ClinVar variation 750638 (VCV000750638.12), dbSNP rs759270137, ClinGen allele CA1999184.